The following is an entry in ClinVar:

ClinVar aggregate classification (germline): Pathogenic (1 of 4 stars; one submission).

Conditions:
Kleefstra-like syndrome.

Submission:

Research Unit for Rare Diseases, 1st Faculty of Medicine, Charles University in Prague
Classification: Pathogenic for Kleefstra-like syndrome. Last evaluated: 2025-07-07. Review status: criteria provided, single submitter. Criteria: ACMG Guidelines, 2015. Collection method: clinical testing. Allele origin: de novo. Inheritance: Autosomal dominant inheritance. Affected: yes.
Comment: De-novo variant not present in the databases, episignature profile overlaping with Kleefstra syndrome and clustering together with other EHMT2 pathogenic variants, histone modification and transcriptome analyses resembling Kleefstra syndrome, structural and biochemical analyses showing loss of enzymatic activity, mouse model recapitulating some major features of patients` phenotype

NM_006709.5(EHMT2):c.3225_3236del (p.Glu1076_Val1079del)

Genes: EHMT2 (euchromatic histone lysine methyltransferase 2; minus strand), EHMT2-AS1 (EHMT2 and SLC44A4 antisense RNA 1; plus strand). Cytogenetic location: 6p21.33.
Variant type: Deletion.
Coding change: c.3225_3236del on transcript NM_006709.5 (MANE Select); coding-DNA positions 3225 to 3236, 12 bases deleted (TGAGGCTGATGT).
Protein change: p.Glu1076_Val1079del.
Genome position (GRCh38, 1-based): chr6:31,881,054-31,881,065, ACATCAGCCTCA deleted on the plus strand (TGAGGCTGATGT on the coding strand, the reverse complement: EHMT2 is on the minus strand). VCF-style (leftmost placement, unchanged base first): chr6-31881053-CACATCAGCCTCA-C. GRCh37 (hg19) VCF-style: chr6-31848830-CACATCAGCCTCA-C.
Other names: c.3162_3173del, p.Glu1055_Val1058del (NM_001395161.1); c.3147_3158del, p.Glu1050_Val1053del (NM_001395162.1); c.3144_3155del, p.Glu1049_Val1052del (NM_001395163.1); c.3120_3131del, p.Glu1041_Val1044del (NM_001395164.1); c.2967_2978del, p.Glu990_Val993del (NM_001395165.1); c.3123_3134del, p.Glu1042_Val1045del (NM_025256.7); c.3294_3305del, p.Glu1099_Val1102del (NM_001289413.2); c.2619_2630del, p.Glu874_Val877del (NM_001318833.2); and 2 more.
Identifiers: ClinVar variation 4057269 (VCV004057269.1).